The following is an entry in ClinVar:

ClinVar aggregate classification (germline): Benign/Likely benign. Review status: criteria provided, multiple submitters, no conflicts (2 of 4 stars). 2 submissions from 2 submitters: Benign (1); Likely benign (1). Last evaluated 2018-06-16.

Conditions:
Maturity-onset diabetes of the young (MODY). Also called: Maturity onset diabetes mellitus in young. Identifiers: Orphanet 552, MedGen C0342276, MONDO:0018911, HP:0004904.

Allele frequency attached by ClinVar (database versions not stated): 1000 Genomes Project 0.03395; 1000 Genomes Project 30x 0.03576; gnomAD 0.05933 and 0.06108; TOPMed 0.06179.
gnomAD v4.1: 9,214 of 152,336 alleles (6%); highest among the groups gnomAD compares: Middle Eastern, 21%; 412 homozygotes.

Submissions (2):

GeneDx
Classification: Benign. Last evaluated: 2018-06-16. Review status: criteria provided, single submitter. Criteria: GeneDx Variant Classification (06012015). Collection method: clinical testing. Allele origin: germline. Affected: yes.
Comment: This variant is considered likely benign or benign based on one or more of the following criteria: it is a conservative change, it occurs at a poorly conserved position in the protein, it is predicted to be benign by multiple in silico algorithms, and/or has population frequency not consistent with disease.

Clinical Genomics, Uppaluri K&H Personalized Medicine Clinic
Classification: Likely benign for Maturity-onset diabetes of the young. Review status: criteria provided, single submitter. Criteria: K & H Uppaluri Personalized Medicine Clinic Variant Classification & Assertion Criteria_Updated V.1. Collection method: research. Allele origin: unknown. Inheritance: Autosomal dominant inheritance.
Comment: HNF1B gene mutations are associated with early onset diabetes and pancreatic atrophy. It is also associated with multiple renal manifestations including renal cysts, Tubulointerstitial disease, glomerulocystic disease, renal hypoplasia, hypomagnesemia. However no sufficient evidence is found to ascertain the role of this particular variant rs111950175, yet.

Literature cited by the submitters: PubMed 24897035 (cited by Clinical Genomics, Uppaluri K&H Personalized Medicine Clinic); PubMed 25536396 (cited by Clinical Genomics, Uppaluri K&H Personalized Medicine Clinic); PubMed 27615128 (cited by Clinical Genomics, Uppaluri K&H Personalized Medicine Clinic); PubMed 28215227 (cited by Clinical Genomics, Uppaluri K&H Personalized Medicine Clinic); PubMed 33434175 (cited by Clinical Genomics, Uppaluri K&H Personalized Medicine Clinic); PubMed 25741167 (cited by Clinical Genomics, Uppaluri K&H Personalized Medicine Clinic); PubMed 26340261 (cited by Clinical Genomics, Uppaluri K&H Personalized Medicine Clinic); PubMed 19639018 (cited by Clinical Genomics, Uppaluri K&H Personalized Medicine Clinic).

NM_000458.4(HNF1B):c.344+256G>C

Gene: HNF1B (HNF1 homeobox B; minus strand). Cytogenetic location: 17q12.
Variant type: single nucleotide variant.
Coding change: c.344+256G>C on transcript NM_000458.4 (MANE Select); 256 bases into the intron after coding-DNA position 344, G replaced by C.
Molecular consequence: intron variant.
Genome position (GRCh38, 1-based): chr17:37,744,285, C>G on the plus strand (G>C on the coding strand, the complement: HNF1B is on the minus strand). VCF-style: chr17-37744285-C-G. GRCh37 (hg19) VCF-style: chr17-36104276-C-G.
Other names: c.344+256G>C (NM_001304286.2, NM_001165923.4).
Identifiers: ClinVar variation 673431 (VCV000673431.2), dbSNP rs111950175, ClinGen allele CA14434475.